The following is an entry in ClinVar:

NM_000138.5(FBN1):c.*1084T>C

Gene: FBN1 (fibrillin 1; minus strand). Cytogenetic location: 15q21.1.
Variant type: single nucleotide variant.
Coding change: c.*1084T>C on transcript NM_000138.5 (MANE Select); 1084 bases downstream of the stop codon, T replaced by C.
Molecular consequence: 3 prime UTR variant.
Genome position (GRCh38, 1-based): chr15:48,409,906, A>G on the plus strand (T>C on the coding strand, the complement: FBN1 is on the minus strand). VCF-style: chr15-48409906-A-G. GRCh37 (hg19) VCF-style: chr15-48702103-A-G.
Identifiers: ClinVar variation 316342 (VCV000316342.5), dbSNP rs3803350, ClinGen allele CA10636135.

ClinVar aggregate classification (germline): Benign. Review status: criteria provided, single submitter (1 of 4 stars). 7 submissions from 1 submitter: Benign (7). Last evaluated 2018-01-12.

Conditions:
Acromicric dysplasia (ACMICD). Also called: Acromicric skeletal dysplasia. Identifiers: Orphanet 969, MedGen C0265287, MONDO:0007055, OMIM 102370.
Stiff skin syndrome (SSKS). Identifiers: Orphanet 2833, MedGen C1861456, MONDO:0008492, OMIM 184900.
Geleophysic dysplasia. Identifiers: Orphanet 2623, MedGen C3489726, MONDO:0000127.
Weill-Marchesani syndrome. Also called: WM Syndrome; Mesodermal dysmorphodystrophy congenital. Identifiers: Orphanet 3449, MedGen C0265313, MONDO:0018096.
Ectopia lentis 1, isolated, autosomal dominant (ECTOL1). Identifiers: Orphanet 1885, MedGen C3541518, MONDO:0007514, OMIM 129600.
Marfan syndrome (MFS). Also called: Marfan syndrome type 1; Marfan's syndrome; MARFAN SYNDROME, TYPE I; Marfan syndrome, classic; FBN1-Related Marfan Syndrome. Identifiers: Orphanet 284963, Orphanet 558, MedGen C0024796, MONDO:0007947, OMIM 154700.
Familial thoracic aortic aneurysm and aortic dissection (TAAD). Also called: Thoracic aortic aneurysms and dissections. Identifiers: Orphanet 91387, MedGen C4707243, MONDO:0019625.

Allele frequency attached by ClinVar (database versions not stated): 1000 Genomes Project 30x 0.01936; 1000 Genomes Project 0.01997; gnomAD 0.00464 and 0.00585; TOPMed 0.00768.

Submissions (7):

Illumina Laboratory Services, Illumina
Classification: Benign for Marfan syndrome. Last evaluated: 2018-01-12. Review status: criteria provided, single submitter. Criteria: ICSL Variant Classification Criteria 13 December 2019. Collection method: clinical testing. Allele origin: germline.
Comment: This variant was observed in the ICSL laboratory as part of a predisposition screen in an ostensibly healthy population. It had not been previously curated by ICSL or reported in the Human Gene Mutation Database (HGMD: prior to June 1st, 2018), and was therefore a candidate for classification through an automated scoring system. Utilizing variant allele frequency, disease prevalence and penetrance estimates, and inheritance mode, an automated score was calculated to assess if this variant is too frequent to cause the disease. Based on the score and internal cut-off values, a variant classified as benign is not then subjected to further curation. The score for this variant resulted in a classification of benign for this disease.

Illumina Laboratory Services, Illumina
Classification: Benign for Acromicric dysplasia. Last evaluated: 2018-01-12. Review status: criteria provided, single submitter. Criteria: ICSL Variant Classification Criteria 13 December 2019. Collection method: clinical testing. Allele origin: germline.
Comment: the same text as in the submission from Illumina Laboratory Services, Illumina above.

Illumina Laboratory Services, Illumina
Classification: Benign for Weill-Marchesani syndrome. Last evaluated: 2018-01-12. Review status: criteria provided, single submitter. Criteria: ICSL Variant Classification Criteria 13 December 2019. Collection method: clinical testing. Allele origin: germline.
Comment: the same text as in the submission from Illumina Laboratory Services, Illumina above.

Illumina Laboratory Services, Illumina
Classification: Benign for Geleophysic dysplasia. Last evaluated: 2018-01-12. Review status: criteria provided, single submitter. Criteria: ICSL Variant Classification Criteria 13 December 2019. Collection method: clinical testing. Allele origin: germline.
Comment: the same text as in the submission from Illumina Laboratory Services, Illumina above.

Illumina Laboratory Services, Illumina
Classification: Benign for Stiff skin syndrome. Last evaluated: 2018-01-12. Review status: criteria provided, single submitter. Criteria: ICSL Variant Classification Criteria 13 December 2019. Collection method: clinical testing. Allele origin: germline.
Comment: the same text as in the submission from Illumina Laboratory Services, Illumina above.

Illumina Laboratory Services, Illumina
Classification: Benign for Ectopia lentis 1, isolated, autosomal dominant. Last evaluated: 2018-01-12. Review status: criteria provided, single submitter. Criteria: ICSL Variant Classification Criteria 13 December 2019. Collection method: clinical testing. Allele origin: germline.
Comment: the same text as in the submission from Illumina Laboratory Services, Illumina above.

Illumina Laboratory Services, Illumina
Classification: Benign for Familial thoracic aortic aneurysm and aortic dissection. Last evaluated: 2018-01-12. Review status: criteria provided, single submitter. Criteria: ICSL Variant Classification Criteria 13 December 2019. Collection method: clinical testing. Allele origin: germline.
Comment: the same text as in the submission from Illumina Laboratory Services, Illumina above.